The following is an entry in ClinVar:

NM_014516.4(CNOT3):c.256A>C (p.Thr86Pro)

Gene: CNOT3 (CCR4-NOT transcription complex subunit 3; plus strand). Cytogenetic location: 19q13.42.
Variant type: single nucleotide variant.
Coding change: c.256A>C on transcript NM_014516.4 (MANE Select); coding-DNA position 256, A replaced by C.
Protein change: p.Thr86Pro; replaces threonine 86 with proline.
Molecular consequence: missense variant. On other transcripts: 5 prime UTR variant (2), non-coding transcript variant (2).
Genome position (GRCh38, 1-based): chr19:54,143,747, A>C. VCF-style: chr19-54143747-A-C. GRCh37 (hg19) VCF-style: chr19-54647483-A-C.
Other names: c.256A>C, p.Thr86Pro (NM_001440653.1, NM_001440654.1, NM_001440655.1 and 7 more transcripts); c.-344A>C (NM_001440659.1, NM_001440660.1); short protein forms T86P.
Identifiers: ClinVar variation 5018166 (VCV005018166.1).

ClinVar aggregate classification (germline): Uncertain significance (1 of 4 stars; one submission).

Submission:

GeneDx
Classification: Uncertain significance. Last evaluated: 2026-04-02. Review status: criteria provided, single submitter. Criteria: GeneDx Variant Classification Process June 2021. Collection method: clinical testing. Allele origin: germline.
Comment: Not observed at significant frequency in large population cohorts (gnomAD); In silico analysis supports that this missense variant has a deleterious effect on protein structure/function; Has not been previously published as pathogenic or benign to our knowledge